The following is an entry in ClinVar:

NM_001377540.1(SLMAP):c.2013G>T (p.Arg671Ser)

Gene: SLMAP (sarcolemma associated protein; plus strand). Cytogenetic location: 3p14.3.
Variant type: single nucleotide variant.
Coding change: c.2013G>T on transcript NM_001377540.1 (MANE Select); coding-DNA position 2013, G replaced by T.
Protein change: p.Arg671Ser; replaces arginine 671 with serine.
Molecular consequence: missense variant. On other transcripts: non-coding transcript variant (1).
Genome position (GRCh38, 1-based): chr3:57,912,694, G>T. VCF-style: chr3-57912694-G-T. GRCh37 (hg19) VCF-style: chr3-57898421-G-T.
Other names: c.1962G>T, p.Arg654Ser (NM_001304420.3, NM_001377541.1, NM_001377542.1); c.1848G>T, p.Arg616Ser (NM_001304421.2, NM_001377557.1, NM_001377559.1); c.564G>T, p.Arg188Ser (NM_001304422.3, NM_001311178.2); c.366G>T, p.Arg122Ser (NM_001304423.3); c.441G>T, p.Arg147Ser (NM_001311179.2, NM_001377926.1, NM_001377927.1 and 1 more transcripts); c.2034G>T, p.Arg678Ser (NM_001377538.1); c.2013G>T, p.Arg671Ser (NM_001377539.1); c.1950G>T, p.Arg650Ser (NM_001377545.1); and 8 more; short protein forms R188S, R575S, R596S, R609S, R637S, R650S, R654S, R147S.
Identifiers: ClinVar variation 4825837 (VCV004825837.1).
Genomic context (GRCh38, chr3:57,912,694, plus strand): 5'-AAACAGTTTTCAGCTTAGATGTCAACAGTGTGAGGACCAGCAGAGAGAAGAAGCAACAAG[G>T]TTGCAAGGTGAATAAATGTATTTTACATAAAGCTGTTAACTTTTGACAATGATAACTTCT-3'
Protein context (NP_001364469.1, residues 661-681): CEDQQREEAT[Arg671Ser]LQGELEKLRK

ClinVar aggregate classification (germline): Uncertain significance (1 of 4 stars; one submission).

gnomAD v4.1: 9 of 1,605,898 alleles (0.00056%); highest among the groups gnomAD compares: East Asian, 0.013%; no homozygotes.

Submission:

Ambry Genetics
Classification: Uncertain significance. Last evaluated: 2026-02-22. Review status: criteria provided, single submitter. Criteria: Ambry Variant Classification Scheme 2023. Collection method: clinical testing. Allele origin: germline.
Comment: The p.R637S variant (also known as c.1911G>T), located in coding exon 17 of the SLMAP gene, results from a G to T substitution at nucleotide position 1911. The arginine at codon 637 is replaced by serine, an amino acid with dissimilar properties. This amino acid position is conserved. In addition, this alteration is predicted to be tolerated by in silico analysis. Based on the available evidence, the clinical significance of this variant remains unclear.